The following is an entry in ClinVar:

ClinVar aggregate classification (germline): Uncertain significance (1 of 4 stars; one submission).

Submission:

Labcorp Genetics (formerly Invitae), Labcorp
Classification: Uncertain significance. Last evaluated: 2022-02-24. Review status: criteria provided, single submitter. Criteria: Invitae Variant Classification Sherloc (09022015). Collection method: clinical testing. Allele origin: germline.
Comment: In summary, the available evidence is currently insufficient to determine the role of this variant in disease. Therefore, it has been classified as a Variant of Uncertain Significance. Algorithms developed to predict the effect of missense changes on protein structure and function are either unavailable or do not agree on the potential impact of this missense change (SIFT: "Deleterious"; PolyPhen-2: "Benign"; Align-GVGD: "Class C0"). This variant has not been reported in the literature in individuals affected with MYO5B-related conditions. This variant is not present in population databases (gnomAD no frequency). This sequence change replaces serine, which is neutral and polar, with threonine, which is neutral and polar, at codon 544 of the MYO5B protein (p.Ser544Thr).

NM_001080467.3(MYO5B):c.1630T>A (p.Ser544Thr)

Gene: MYO5B (myosin VB; minus strand). Cytogenetic location: 18q21.1.
Variant type: single nucleotide variant.
Coding change: c.1630T>A on transcript NM_001080467.3 (MANE Select); coding-DNA position 1630, T replaced by A.
Protein change: p.Ser544Thr; replaces serine 544 with threonine.
Molecular consequence: missense variant.
Genome position (GRCh38, 1-based): chr18:49,954,351, A>T on the plus strand (T>A on the coding strand, the complement: MYO5B is on the minus strand). VCF-style: chr18-49954351-A-T. GRCh37 (hg19) VCF-style: chr18-47480721-A-T.
Other names: short protein forms S544T.
Identifiers: ClinVar variation 1381891 (VCV001381891.6), dbSNP rs2144246822, ClinGen allele CA402429074.